The following is an entry in ClinVar:

NM_080680.3(COL11A2):c.3911C>G (p.Ser1304Cys)

Gene: COL11A2 (collagen type XI alpha 2 chain; minus strand). Cytogenetic location: 6p21.32.
Variant type: single nucleotide variant.
Coding change: c.3911C>G on transcript NM_080680.3 (MANE Select); coding-DNA position 3911, C replaced by G.
Protein change: p.Ser1304Cys; replaces serine 1304 with cysteine.
Molecular consequence: missense variant.
Genome position (GRCh38, 1-based): chr6:33,168,568, G>C on the plus strand (C>G on the coding strand, the complement: COL11A2 is on the minus strand). VCF-style: chr6-33168568-G-C. GRCh37 (hg19) VCF-style: chr6-33136345-G-C.
Other names: c.3590C>G, p.Ser1197Cys (NM_080679.3); c.3653C>G, p.Ser1218Cys (NM_080681.3); short protein forms S1197C, S1218C, S1304C.
Identifiers: ClinVar variation 1331311 (VCV001331311.2), dbSNP rs1769534939, ClinGen allele CA363624753.

ClinVar aggregate classification (germline): Uncertain significance (1 of 4 stars; one submission).

Submission:

GeneDx
Classification: Uncertain significance. Last evaluated: 2021-06-28. Review status: criteria provided, single submitter. Criteria: GeneDx Variant Classification Process June 2021. Collection method: clinical testing. Allele origin: germline. Affected: yes.
Comment: Not observed at significant frequency in large population cohorts (Lek et al., 2016); In silico analysis supports that this missense variant has a deleterious effect on protein structure/function; Has not been previously published as pathogenic or benign to our knowledge; This variant is associated with the following publications: (PMID: 27535533)